The following is an entry in ClinVar:

NM_000441.2(SLC26A4):c.1079C>T (p.Ala360Val)

Gene: SLC26A4 (solute carrier family 26 member 4; plus strand). Cytogenetic location: 7q22.3.
Variant type: single nucleotide variant.
Coding change: c.1079C>T on transcript NM_000441.2 (MANE Select); coding-DNA position 1079, C replaced by T.
Protein change: p.Ala360Val; replaces alanine 360 with valine.
Molecular consequence: missense variant.
Genome position (GRCh38, 1-based): chr7:107,689,130, C>T. VCF-style: chr7-107689130-C-T. GRCh37 (hg19) VCF-style: chr7-107329575-C-T.
Other names: short protein forms A360V.
Identifiers: ClinVar variation 188793 (VCV000188793.29), dbSNP rs786204474, ClinGen allele CA273966.

ClinVar aggregate classification (germline): Pathogenic/Likely pathogenic. Review status: criteria provided, multiple submitters, no conflicts (2 of 4 stars). 12 submissions from 11 submitters: Pathogenic (7); Likely pathogenic (3). 2 of the submissions do not count toward it. Last evaluated 2026-01-23.

Conditions:
Pendred syndrome (PDS). Also called: Pendred's syndrome; DEAFNESS WITH GOITER; GOITER-DEAFNESS SYNDROME; HYPOTHYROIDISM, CONGENITAL, DUE TO DYSHORMONOGENESIS, 2B; Pendred Syndrome (PDS); THYROID DYSHORMONOGENESIS 2B. Identifiers: Orphanet 705, MedGen C0271829, MONDO:0010134, OMIM 274600.
Autosomal recessive nonsyndromic hearing loss 4 (DFNB4). Also called: Enlarged vestibular aqueduct, digenic; Nonsyndromic enlarged vestibular aqueduct (NSEVA); Deafness, autosomal recessive 4, with enlarged vestibular aqueduct; FOXI1-Related Pendred Syndrome; KCNJ10-Related Pendred Syndrome; DEAFNESS, AUTOSOMAL RECESSIVE 4, WITH ENLARGED VESTIBULAR AQUEDUCT, DIGENIC. Identifiers: Orphanet 90636, MedGen C3538946, MONDO:0010933, OMIM 600791.

Allele frequency attached by ClinVar (database versions not stated): gnomAD 0.00001; TOPMed 0.00001.

Submissions (12):

Women's Health and Genetics/Laboratory Corporation of America, LabCorp
Classification: Pathogenic for Pendred syndrome. Last evaluated: 2026-01-23. Review status: criteria provided, single submitter. Criteria: LabCorp Variant Classification Summary - May 2015. Collection method: clinical testing. Allele origin: germline.
Comment: Variant summary: SLC26A4 c.1079C>T (p.Ala360Val) results in a non-conservative amino acid change in the encoded protein sequence. Algorithms developed to predict the effect of missense changes on protein structure and function all suggest that this variant is likely to be disruptive. The variant was absent in 251226 control chromosomes. c.1079C>T has been observed in multiple homozygous and compound heterozygous individuals affected with hearing loss and/or Pendred Syndrome (e.g., Jiang_2015, Sloan-Heggen _2016). These data indicate that the variant is very likely to be associated with disease. The following publications have been ascertained in the context of this evaluation (PMID: 26252218, 26969326). ClinVar contains an entry for this variant (Variation ID: 188793). Based on the evidence outlined above, the variant was classified as pathogenic.

Natera, Inc.
Classification: Pathogenic for Pendred syndrome. Last evaluated: 2026-01-05. Review status: criteria provided, single submitter. Criteria: Natera Variant Classification Schema (03/2026). Collection method: clinical testing. Allele origin: germline.
Comment: The c.1079C>T variant in SLC26A4 is a missense variant predicted to cause substitution of alanine to valine at amino acid 360. This variant is rare in the general population with a frequency below the threshold expected for the associated phenotype(s). This variant has been observed in one or more individuals affected with the associated recessive disease, as either homozygous or compound heterozygous with a second variant (PMID: 17697873, 24612839). Computational prediction algorithms indicate this variant is likely to affect gene or protein function. Given the available evidence, this variant is classified as Pathogenic.

Labcorp Genetics (formerly Invitae), Labcorp
Classification: Pathogenic. Last evaluated: 2025-06-03. Review status: criteria provided, single submitter. Criteria: Invitae Variant Classification Sherloc (09022015). Collection method: clinical testing. Allele origin: germline.
Comment: This sequence change replaces alanine, which is neutral and non-polar, with valine, which is neutral and non-polar, at codon 360 of the SLC26A4 protein (p.Ala360Val). This variant is present in population databases (rs786204474, gnomAD 0.06%). This missense change has been observed in individual(s) with hearing loss (PMID: 17697873, 21961810, 23838540, 26252218, 26969326). In at least one individual the data is consistent with being in trans (on the opposite chromosome) from a pathogenic variant. ClinVar contains an entry for this variant (Variation ID: 188793). Invitae Evidence Modeling of protein sequence and biophysical properties (such as structural, functional, and spatial information, amino acid conservation, physicochemical variation, residue mobility, and thermodynamic stability) indicates that this missense variant is expected to disrupt SLC26A4 protein function with a positive predictive value of 95%. For these reasons, this variant has been classified as Pathogenic.

Baylor Genetics
Classification: Pathogenic for Autosomal recessive nonsyndromic hearing loss 4. Last evaluated: 2023-09-18. Review status: criteria provided, single submitter. Criteria: ACMG Guidelines, 2015. Collection method: clinical testing. Allele origin: unknown.

GeneDx
Classification: Pathogenic. Last evaluated: 2023-07-14. Review status: criteria provided, single submitter. Criteria: GeneDx Variant Classification Process June 2021. Collection method: clinical testing. Allele origin: germline. Affected: yes.
Comment: Published functional studies demonstrate this variant impairs SLC26A4 protein localization and function (Yuan et al., 2012); Not observed at a significant frequency in large population cohorts (gnomAD); In silico analysis supports that this missense variant has a deleterious effect on protein structure/function; This variant is associated with the following publications: (PMID: 30842343, 23185506, 26969326, 23838540, 21154317, 17697873, 21961810, 26252218, 27771369, 30275481, 31541171, 24612839, 24341454, 23151025, 33199029, 32447495, 36362242, 35982127, 34416374, 33907123, 32658404)

Revvity Omics, Revvity
Classification: Likely pathogenic. Last evaluated: 2022-11-11. Review status: criteria provided, single submitter. Criteria: ACMG Guidelines, 2015. Collection method: clinical testing. Allele origin: germline.

Department of Pathology and Laboratory Medicine, Sinai Health System
Classification: Pathogenic for Pendred syndrome; Autosomal recessive nonsyndromic hearing loss 4. Last evaluated: 2022-10-14. Review status: criteria provided, single submitter. Criteria: ACMG Guidelines, 2015. Collection method: research. Allele origin: germline.

Genome-Nilou Lab
Classification: Likely pathogenic for Autosomal recessive nonsyndromic hearing loss 4. Last evaluated: 2021-09-05. Review status: criteria provided, single submitter. Criteria: ACMG Guidelines, 2015. Collection method: clinical testing. Allele origin: germline. Affected: no.

Genome-Nilou Lab
Classification: Likely pathogenic for Pendred syndrome. Last evaluated: 2021-09-05. Review status: criteria provided, single submitter. Criteria: ACMG Guidelines, 2015. Collection method: clinical testing. Allele origin: germline. Affected: no.

Juno Genomics, Hangzhou Juno Genomics, Inc
Classification: Pathogenic for Autosomal recessive nonsyndromic hearing loss 4; Pendred syndrome. Review status: criteria provided, single submitter. Criteria: ACMG Guidelines, 2015. Collection method: clinical testing. Allele origin: germline. Affected: yes.
Comment: Multiple lines of computational evidence support a deleterious effect on the gene or gene product (conservation, evolutionary, splicing impact, etc).;For recessive disorders, detected in trans with a pathogenic variant.;Patient's phenotype or family history is highly specific for a disease with a single genetic etiology.

Genetic Testing Center for Deafness, Department of Otolaryngology Head & Neck Surgery, Institute of Otolaryngology, Chinese PLA General Hospital
Classification: Likely pathogenic for Autosomal recessive nonsyndromic hearing loss 4. Last evaluated: 2019-02-26. Review status: no assertion criteria provided. Collection method: case-control. Allele origin: inherited. Affected: yes. Observed: 1 variant allele. Not counted in ClinVar's aggregate classification.

Counsyl
Classification: Likely pathogenic for Pendred's syndrome. Last evaluated: 2014-05-21. Review status: no assertion criteria provided. Collection method: literature only. Allele origin: unknown. Inheritance: Autosomal recessive inheritance. Not counted in ClinVar's aggregate classification.

Literature cited by the submitters: PubMed 26252218 (cited by Women's Health and Genetics/Laboratory Corporation of America, LabCorp and Labcorp Genetics (formerly Invitae), Labcorp); PubMed 26969326 (cited by Women's Health and Genetics/Laboratory Corporation of America, LabCorp and Labcorp Genetics (formerly Invitae), Labcorp); PubMed 17697873 (cited by 3 submitters); PubMed 24612839 (cited by Natera, Inc. and Counsyl); PubMed 21961810 (cited by Labcorp Genetics (formerly Invitae), Labcorp and Counsyl); PubMed 23838540 (cited by Labcorp Genetics (formerly Invitae), Labcorp and Counsyl); PubMed 23266159 (cited by Counsyl); PubMed 24341454 (cited by Counsyl); PubMed 23918157 (cited by Counsyl); PubMed 23151025 (cited by Counsyl); PubMed 23185506 (cited by Counsyl); PubMed 21154317 (cited by Counsyl).